The following is an entry in ClinVar:

NM_001035.3(RYR2):c.1097T>A (p.Val366Glu)

Gene: RYR2 (ryanodine receptor 2; plus strand). Cytogenetic location: 1q43.
Variant type: single nucleotide variant.
Coding change: c.1097T>A on transcript NM_001035.3 (MANE Select); coding-DNA position 1097, T replaced by A.
Protein change: p.Val366Glu; replaces valine 366 with glutamic acid.
Molecular consequence: missense variant.
Genome position (GRCh38, 1-based): chr1:237,441,410, T>A. VCF-style: chr1-237441410-T-A. GRCh37 (hg19) VCF-style: chr1-237604710-T-A.
Other names: short protein forms V366E.
Identifiers: ClinVar variation 5028683 (VCV005028683.1).
Genomic context (GRCh38, chr1:237,441,410, plus strand): 5'-TAGATGGCATGGGAACATCTGAAATAAAATACGGTGACTCAGTATGCTATATACAACATG[T>A]AGACACAGGCCTATGGCTTACTTACCAGTCTGTGGACGTGAAATCCGTGAGAATGGGATC-3'
Protein context (NP_001026.2, residues 356-376): YGDSVCYIQH[Val366Glu]DTGLWLTYQS

ClinVar aggregate classification (germline): Uncertain significance (1 of 4 stars; one submission).

Conditions:
Cardiovascular phenotype. Identifiers: MedGen CN230736.

Submission:

Ambry Genetics
Classification: Uncertain significance for Cardiovascular phenotype. Last evaluated: 2026-07-07. Review status: criteria provided, single submitter. Criteria: Ambry Variant Classification Scheme 2023. Collection method: clinical testing. Allele origin: germline.
Comment: The p.V366E variant (also known as c.1097T>A), located in coding exon 13 of the RYR2 gene, results from a T to A substitution at nucleotide position 1097. The valine at codon 366 is replaced by glutamic acid, an amino acid with dissimilar properties. This amino acid position is conserved. In addition, the in silico prediction for this alteration is inconclusive. Based on the available evidence, the clinical significance of this variant remains unclear.